The following is an entry in ClinVar:

NM_001130438.3(SPTAN1):c.4385C>T (p.Ala1462Val)

Gene: SPTAN1 (spectrin alpha, non-erythrocytic 1; plus strand). Cytogenetic location: 9q34.11.
Variant type: single nucleotide variant.
Coding change: c.4385C>T on transcript NM_001130438.3 (MANE Select); coding-DNA position 4385, C replaced by T.
Protein change: p.Ala1462Val; replaces alanine 1462 with valine.
Molecular consequence: missense variant.
Genome position (GRCh38, 1-based): chr9:128,608,170, C>T. VCF-style: chr9-128608170-C-T. GRCh37 (hg19) VCF-style: chr9-131370449-C-T.
Other names: c.4325C>T, p.Ala1442Val (NM_001195532.2, NM_001363765.2, NM_001375314.2 and 3 more transcripts); c.4385C>T, p.Ala1462Val (NM_001363759.2, NM_001375310.1, NM_001375311.2 and 4 more transcripts); c.4421C>T, p.Ala1474Val (NM_001375312.2, NM_001375318.1, NM_001438440.1); short protein forms A1442V, A1462V, A1474V.
Identifiers: ClinVar variation 4801851 (VCV004801851.1).

ClinVar aggregate classification (germline): Uncertain significance (1 of 4 stars; one submission).

Conditions:
Early-infantile DEE. Also called: Early infantile epileptic encephalopathy; Early infantile epileptic encephalopathy with suppression bursts; Ohtahara syndrome. Identifiers: Orphanet 1934, MedGen C0393706, MONDO:0800491.

Submission:

Labcorp Genetics (formerly Invitae), Labcorp
Classification: Uncertain significance for Early-infantile DEE. Last evaluated: 2025-05-22. Review status: criteria provided, single submitter. Criteria: Invitae Variant Classification Sherloc (09022015). Collection method: clinical testing. Allele origin: germline.
Comment: This sequence change replaces alanine, which is neutral and non-polar, with valine, which is neutral and non-polar, at codon 1462 of the SPTAN1 protein (p.Ala1462Val). This variant is not present in population databases (gnomAD no frequency). This variant has not been reported in the literature in individuals affected with SPTAN1-related conditions. Invitae Evidence Modeling of protein sequence and biophysical properties (such as structural, functional, and spatial information, amino acid conservation, physicochemical variation, residue mobility, and thermodynamic stability) has been performed for this missense variant. However, the output from this modeling did not meet the statistical confidence thresholds required to predict the impact of this variant on SPTAN1 protein function. In summary, the available evidence is currently insufficient to determine the role of this variant in disease. Therefore, it has been classified as a Variant of Uncertain Significance.